The following is an entry in ClinVar:

ClinVar aggregate classification (germline): Uncertain significance. Review status: criteria provided, multiple submitters, no conflicts (2 of 4 stars). 2 submissions from 2 submitters: Uncertain significance (2). Last evaluated 2025-03-01.

Conditions:
Inborn genetic diseases. Identifiers: MedGen C0950123, MeSH D030342.

Allele frequency attached by ClinVar (database versions not stated): gnomAD exomes 0.00001; TOPMed 0.00001; gnomAD 0.00002.
gnomAD v4.1: 6 of 1,608,182 alleles (0.00037%); highest among the groups gnomAD compares: African/African-American, 0.0053%; no homozygotes.

Submissions (2):

Ambry Genetics
Classification: Uncertain significance for Inborn genetic diseases. Last evaluated: 2025-03-01. Review status: criteria provided, single submitter. Criteria: Ambry Variant Classification Scheme 2023. Collection method: clinical testing. Allele origin: germline.

Labcorp Genetics (formerly Invitae), Labcorp
Classification: Uncertain significance. Last evaluated: 2024-11-05. Review status: criteria provided, single submitter. Criteria: Invitae Variant Classification Sherloc (09022015). Collection method: clinical testing. Allele origin: germline.
Comment: This sequence change replaces threonine, which is neutral and polar, with alanine, which is neutral and non-polar, at codon 1338 of the WHSC1 protein (p.Thr1338Ala). This variant is present in population databases (no rsID available, gnomAD 0.008%). This variant has not been reported in the literature in individuals affected with WHSC1-related conditions. ClinVar contains an entry for this variant (Variation ID: 2113077). An algorithm developed to predict the effect of missense changes on protein structure and function outputs the following: PolyPhen-2: "Not Available". The alanine amino acid residue is found in multiple mammalian species, which suggests that this missense change does not adversely affect protein function. In summary, the available evidence is currently insufficient to determine the role of this variant in disease. Therefore, it has been classified as a Variant of Uncertain Significance.

NM_001042424.3(NSD2):c.4012A>G (p.Thr1338Ala)

Gene: NSD2 (nuclear receptor binding SET domain protein 2; plus strand). Cytogenetic location: 4p16.3.
Variant type: single nucleotide variant.
Coding change: c.4012A>G on transcript NM_001042424.3 (MANE Select); coding-DNA position 4012, A replaced by G.
Protein change: p.Thr1338Ala; replaces threonine 1338 with alanine.
Molecular consequence: missense variant.
Genome position (GRCh38, 1-based): chr4:1,978,823, A>G. VCF-style: chr4-1978823-A-G. GRCh37 (hg19) VCF-style: chr4-1980550-A-G.
Other names: c.4012A>G, p.Thr1338Ala (NM_133330.3, NM_133331.3, NM_133335.4); c.4012A>G (NM_133330.2); short protein forms T1338A.
Identifiers: ClinVar variation 2113077 (VCV002113077.5), dbSNP rs998624369, ClinGen allele CA91299998.
Genomic context (GRCh38, chr4:1,978,823, plus strand): 5'-GACGGGCGGTCCTACTGCTGTGAGCATGACTTAGGGGCGGCATCGGTCAGAAGCACCAAG[A>G]CTGAGAAGCCCCCCCCAGAGCCAGGGAAGCCGAAGGGGAAGAGGCGGCGGCGGAGGGGCT-3'
Protein context (NP_001035889.1, residues 1328-1348): LGAASVRSTK[Thr1338Ala]EKPPPEPGKP